The following is an entry in ClinVar:

ClinVar aggregate classification (germline): Uncertain significance. Review status: criteria provided, multiple submitters, no conflicts (2 of 4 stars). 2 submissions from 2 submitters: Uncertain significance (2). Last evaluated 2024-03-26.

Conditions:
Developmental and epileptic encephalopathy, 42 (DEE42A). Also called: Epileptic encephalopathy, early infantile, 42; DEVELOPMENTAL AND EPILEPTIC ENCEPHALOPATHY 42A; EPILEPTIC ENCEPHALOPATHY, EARLY INFANTILE, 42A. Identifiers: MedGen C4310716, MONDO:0014917, OMIM 617106.
Episodic ataxia type 2 (EA2). Also called: ATAXIA, EPISODIC, WITH NYSTAGMUS; ATAXIA, FAMILIAL PAROXYSMAL; ACETAZOLAMIDE-RESPONSIVE HEREDITARY PAROXYSMAL CEREBELLAR ATAXIA; CEREBELLAR ATAXIA, PAROXYSMAL, ACETAZOLAMIDE-RESPONSIVE; CEREBELLOPATHY, HEREDITARY PAROXYSMAL; EPISODIC ATAXIA, NYSTAGMUS-ASSOCIATED. Identifiers: Orphanet 97, MedGen C1720416, MONDO:0007163, OMIM 108500.

Allele frequency attached by ClinVar (database versions not stated): gnomAD exomes below 0.00001.
gnomAD v4.1: 1 of 1,536,924 alleles (0.000065%); highest among the groups gnomAD compares: Non-Finnish European, 0.000087%; no homozygotes.

Submissions (2):

Blueprint Genetics
Classification: Uncertain significance. Last evaluated: 2024-03-26. Review status: criteria provided, single submitter. Criteria: ACMG Guidelines, 2015. Collection method: clinical testing. Allele origin: germline.

Labcorp Genetics (formerly Invitae), Labcorp
Classification: Uncertain significance for Developmental and epileptic encephalopathy, 42; Episodic ataxia type 2. Last evaluated: 2024-02-01. Review status: criteria provided, single submitter. Criteria: Invitae Variant Classification Sherloc (09022015). Collection method: clinical testing. Allele origin: germline.
Comment: This sequence change falls in intron 45 of the CACNA1A gene. It does not directly change the encoded amino acid sequence of the CACNA1A protein. This variant is not present in population databases (gnomAD no frequency). This variant has not been reported in the literature in individuals affected with CACNA1A-related conditions. ClinVar contains an entry for this variant (Variation ID: 542819). Algorithms developed to predict the effect of sequence changes on RNA splicing suggest that this variant may disrupt the consensus splice site. In summary, the available evidence is currently insufficient to determine the role of this variant in disease. Therefore, it has been classified as a Variant of Uncertain Significance.

NM_001127222.2(CACNA1A):c.6527-7G>A

Gene: CACNA1A (calcium voltage-gated channel subunit alpha1 A; minus strand). Cytogenetic location: 19p13.13.
Variant type: single nucleotide variant.
Coding change: c.6527-7G>A on transcript NM_001127222.2 (MANE Select); 7 bases into the intron before coding-DNA position 6527, G replaced by A.
Molecular consequence: intron variant.
Genome position (GRCh38, 1-based): chr19:13,209,016, C>T on the plus strand (G>A on the coding strand, the complement: CACNA1A is on the minus strand). VCF-style: chr19-13209016-C-T. GRCh37 (hg19) VCF-style: chr19-13319830-C-T.
Other names: c.6530-7G>A (NM_001127221.2); c.6536-7G>A (NM_001174080.2); c.6545-7G>A (NM_000068.4, NM_023035.3).
Identifiers: ClinVar variation 542819 (VCV000542819.10), dbSNP rs1555730686, ClinGen allele CA658799156.